The following is an entry in ClinVar:

ClinVar aggregate classification (germline): Likely pathogenic (1 of 4 stars; one submission).

gnomAD v4.1: 2 of 1,613,772 alleles (0.00012%); highest among the groups gnomAD compares: Non-Finnish European, 0.00017%; no homozygotes.

Submission:

Labcorp Genetics (formerly Invitae), Labcorp
Classification: Likely pathogenic. Last evaluated: 2021-04-20. Review status: criteria provided, single submitter. Criteria: Invitae Variant Classification Sherloc (09022015). Collection method: clinical testing. Allele origin: germline.
Comment: In summary, the currently available evidence indicates that the variant is pathogenic, but additional data are needed to prove that conclusively. Therefore, this variant has been classified as Likely Pathogenic. Algorithms developed to predict the effect of sequence changes on RNA splicing suggest that this variant may disrupt the consensus splice site, but this prediction has not been confirmed by published transcriptional studies. This variant has not been reported in the literature in individuals with COL27A1-related conditions. This variant is not present in population databases (ExAC no frequency). This sequence change affects a donor splice site in intron 57 of the COL27A1 gene. It is expected to disrupt RNA splicing. Variants that disrupt the donor or acceptor splice site typically lead to a loss of protein function (PMID: 16199547), and loss-of-function variants in COL27A1 are known to be pathogenic (PMID: 24986830, 28276056).

Literature cited by the submitters: PubMed 16199547; PubMed 24986830; PubMed 28276056.

NM_032888.4(COL27A1):c.4938+1G>A

Gene: COL27A1 (collagen type XXVII alpha 1 chain; plus strand). Cytogenetic location: 9q32.
Variant type: single nucleotide variant.
Coding change: c.4938+1G>A on transcript NM_032888.4 (MANE Select); the canonical splice donor site of the intron after coding-DNA position 4938, G replaced by A.
Molecular consequence: splice donor variant.
Genome position (GRCh38, 1-based): chr9:114,304,674, G>A. VCF-style: chr9-114304674-G-A. GRCh37 (hg19) VCF-style: chr9-117066954-G-A.
Identifiers: ClinVar variation 1520418 (VCV001520418.8), dbSNP rs1432130710, ClinGen allele CA374595036.
Genomic context (GRCh38, chr9:114,304,674, plus strand): 5'-GATGATCTTGGGGCAGCTTTCCAGACGTGGATGGACACCAGTGGAGCACTCAGGCCAGAG[G>A]TATCTCCAGGGGCTCTCCCCATGTGGGATCCCTTCCTGGGAGAAACGCAAATAGATAATG-3'